The following is an entry in ClinVar:

ClinVar aggregate classification (germline): Uncertain significance (0 of 4 stars; one submission).

Conditions:
NRP2-related disorder. Also called: NRP2-related condition.

gnomAD v4.1: 2 of 1,614,194 alleles (0.00012%); highest among the groups gnomAD compares: Non-Finnish European, 0.00017%; no homozygotes.

Submission:

PreventionGenetics, part of Exact Sciences
Classification: Uncertain significance for NRP2-related condition. Last evaluated: 2024-03-06. Review status: no assertion criteria provided. Collection method: clinical testing. Allele origin: germline.
Comment: The NRP2 c.1421G>T variant is predicted to result in the amino acid substitution p.Trp474Leu. To our knowledge, this variant has not been reported in the literature or in a large population database, indicating this variant is rare. At this time, the clinical significance of this variant is uncertain due to the absence of conclusive functional and genetic evidence.

NM_003872.3(NRP2):c.1421G>T (p.Trp474Leu)

Gene: NRP2 (neuropilin 2; plus strand). Cytogenetic location: 2q33.3.
Variant type: single nucleotide variant.
Coding change: c.1421G>T on transcript NM_003872.3 (MANE Select); coding-DNA position 1421, G replaced by T.
Protein change: p.Trp474Leu; replaces tryptophan 474 with leucine.
Molecular consequence: missense variant.
Genome position (GRCh38, 1-based): chr2:205,743,332, G>T. VCF-style: chr2-205743332-G-T. GRCh37 (hg19) VCF-style: chr2-206608056-G-T.
Other names: c.1421G>T, p.Trp474Leu (NM_018534.4, NM_201264.2, NM_201266.2 and 2 more transcripts); short protein forms W474L.
Identifiers: ClinVar variation 3356964 (VCV003356964.1).
Genomic context (GRCh38, chr2:205,743,332, plus strand): 5'-CCACCCAGGAATACCTCTGGAGCCCCAGTGCAGCCCGCCTGGTTAGCAGCCGCTCGGGCT[G>T]GTTCCCTCGAATCCCTCAGGCCCAGCCCGGTGAGGAGTGGCTTCAGGTAGATCTGGGAAC-3'
Protein context (NP_003863.2, residues 464-484): AARLVSSRSG[Trp474Leu]FPRIPQAQPG